The following is an entry in ClinVar:

NM_007294.4(BRCA1):c.212+2T>A

Gene: BRCA1 (BRCA1 DNA repair associated; minus strand). Cytogenetic location: 17q21.31.
Variant type: single nucleotide variant.
Coding change: c.212+2T>A on transcript NM_007294.4 (MANE Select); the canonical splice donor site of the intron after coding-DNA position 212, T replaced by A.
Molecular consequence: splice donor variant. On other transcripts: intron variant (95).
Genome position (GRCh38, 1-based): chr17:43,106,454, A>T on the plus strand (T>A on the coding strand, the complement: BRCA1 is on the minus strand). VCF-style: chr17-43106454-A-T. GRCh37 (hg19) VCF-style: chr17-41258471-A-T.
Other names: c.71+2T>A (NM_001408458.1, NM_001407931.1, NM_001407747.1 and 99 more transcripts); c.-218-11594T>A (NM_001407967.1, NM_001407966.1); c.-169-1498T>A (NM_001407959.1, NM_001407962.1, NM_001408512.1 and 4 more transcripts); c.2+24T>A (NM_001407885.1, NM_001408483.1, NM_001408482.1 and 58 more transcripts); c.212+2T>A (NM_001408437.1, NM_001408429.1, NM_001407683.1 and 167 more transcripts); c.135-1498T>A (NM_001408415.1, NM_001407874.1, NM_001408416.1 and 21 more transcripts); c.81-1498T>A (NM_001408451.1).
Identifiers: ClinVar variation 867951 (VCV000867951.3), dbSNP rs80358026, ClinGen allele CA10601744.
Genomic context (GRCh38, chr17:43,106,454, plus strand): 5'-ATAATTTCTACTTTTTCCTACTGTGGTTGCTTCCAACCTAGCATCATTACCAAATTATAT[A>T]CCTTTTGGTTATATCATTCTTACATAAAGGACACTGTGAAGGCCCTTTCTTCTGGTTGAG-3'

Conditions:
Breast-ovarian cancer, familial, susceptibility to, 1 (BROVCA1). Also called: BRCA1 Hereditary Breast and Ovarian Cancer; OVARIAN CANCER, SUSCEPTIBILITY TO. Identifiers: Orphanet 145, MedGen C2676676, MONDO:0011450, OMIM 604370. Disease mechanism: loss of function.

Submission:

Brotman Baty Institute, University of Washington
No classification provided (evidence only). Condition: Breast-ovarian cancer, familial 1. Review status: no classification provided. Collection method: in vitro. Allele origin: not applicable. Functional consequence: functionally_abnormal.
ClinVar note: "not provided" was previously submitted as the classification for the variant. However, the classification appeared to be based only on an observation of functional data so it was converted to no classification on 2025-07-30.